The following is an entry in ClinVar:

NM_001393769.1(MED12L):c.5495C>T (p.Ser1832Leu)

Gene: MED12L (mediator complex subunit 12L; plus strand). Cytogenetic location: 3q25.1.
Variant type: single nucleotide variant.
Coding change: c.5495C>T on transcript NM_001393769.1 (MANE Select); coding-DNA position 5495, C replaced by T.
Protein change: p.Ser1832Leu; replaces serine 1832 with leucine.
Molecular consequence: missense variant.
Genome position (GRCh38, 1-based): chr3:151,390,022, C>T. VCF-style: chr3-151390022-C-T. GRCh37 (hg19) VCF-style: chr3-151107810-C-T.
Other names: c.5390C>T, p.Ser1797Leu (NM_053002.6); short protein forms S1797L, S1832L.
Identifiers: ClinVar variation 4859847 (VCV004859847.1).
Genomic context (GRCh38, chr3:151,390,022, plus strand): 5'-AAAACTTTATGTTGAAGGAATATCCACAGAGCAACATATACCGAGTGCCTCCTAATTACT[C>T]GCCTATCTCCTCCCAAATGATGCACCATCCACAGTCCACCTTGTGGGGTTACAACCTCGT-3'
Protein context (NP_001380698.1, residues 1822-1842): SNIYRVPPNY[Ser1832Leu]PISSQMMHHP

ClinVar aggregate classification (germline): Uncertain significance (1 of 4 stars; one submission).

Conditions:
Inborn genetic diseases. Identifiers: MedGen C0950123, MeSH D030342.

gnomAD v4.1: 3 of 1,614,002 alleles (0.00019%); highest among the groups gnomAD compares: African/African-American, 0.0013%; no homozygotes.

Submission:

Ambry Genetics
Classification: Uncertain significance for Inborn genetic diseases. Last evaluated: 2026-06-03. Review status: criteria provided, single submitter. Criteria: Ambry Variant Classification Scheme 2023. Collection method: clinical testing. Allele origin: germline.
Comment: The c.5390C>T (p.S1797L) alteration is located in exon 36 (coding exon 36) of the MED12L gene. This alteration results from a C to T substitution at nucleotide position 5390, causing the serine (S) at amino acid position 1797 to be replaced by a leucine (L). Based on data from gnomAD, the T allele has an overall frequency of <0.001% (1/251306) total alleles studied. The highest observed frequency was 0.006% (1/16254) of African alleles. Based on insufficient or conflicting evidence, the clinical significance of this alteration remains unclear.